The following is an entry in ClinVar:

ClinVar aggregate classification (germline): Uncertain significance. Review status: criteria provided, multiple submitters, no conflicts (2 of 4 stars). 2 submissions from 2 submitters: Uncertain significance (2). Last evaluated 2024-01-15.

Allele frequency attached by ClinVar (database versions not stated): gnomAD 0.00001; gnomAD exomes 0.00001; TOPMed 0.00001.
gnomAD v4.1: 21 of 1,612,746 alleles (0.0013%); highest among the groups gnomAD compares: East Asian, 0.0022%; no homozygotes.

Submissions (2):

Blueprint Genetics
Classification: Uncertain significance. Last evaluated: 2024-01-15. Review status: criteria provided, single submitter. Criteria: ACMG Guidelines, 2015. Collection method: clinical testing. Allele origin: germline.

Labcorp Genetics (formerly Invitae), Labcorp
Classification: Uncertain significance. Last evaluated: 2022-11-15. Review status: criteria provided, single submitter. Criteria: Invitae Variant Classification Sherloc (09022015). Collection method: clinical testing. Allele origin: germline.
Comment: In summary, the available evidence is currently insufficient to determine the role of this variant in disease. Therefore, it has been classified as a Variant of Uncertain Significance. Algorithms developed to predict the effect of missense changes on protein structure and function (SIFT, PolyPhen-2, Align-GVGD) all suggest that this variant is likely to be disruptive. ClinVar contains an entry for this variant (Variation ID: 867076). This variant has not been reported in the literature in individuals affected with RIMS1-related conditions. This variant is present in population databases (no rsID available, gnomAD 0.006%). This sequence change replaces arginine, which is basic and polar, with cysteine, which is neutral and slightly polar, at codon 1371 of the RIMS1 protein (p.Arg1371Cys).

NM_014989.7(RIMS1):c.4111C>T (p.Arg1371Cys)

Gene: RIMS1 (regulating synaptic membrane exocytosis 1; plus strand). Cytogenetic location: 6q13.
Variant type: single nucleotide variant.
Coding change: c.4111C>T on transcript NM_014989.7 (MANE Select); coding-DNA position 4111, C replaced by T.
Protein change: p.Arg1371Cys; replaces arginine 1371 with cysteine.
Molecular consequence: missense variant. On other transcripts: intron variant (24).
Genome position (GRCh38, 1-based): chr6:72,313,653, C>T. VCF-style: chr6-72313653-C-T. GRCh37 (hg19) VCF-style: chr6-73023356-C-T.
Other names: c.2071C>T, p.Arg691Cys (NM_001168407.2); c.2032C>T, p.Arg678Cys (NM_001350414.2); c.2155C>T, p.Arg719Cys (NM_001350415.2); c.2104C>T, p.Arg702Cys (NM_001350416.2); c.2077C>T, p.Arg693Cys (NM_001350418.2); c.2185C>T, p.Arg729Cys (NM_001350420.2); c.1930C>T, p.Arg644Cys (NM_001350421.2); c.1846C>T, p.Arg616Cys (NM_001350423.2, NM_001350444.2); and 51 more; short protein forms R535C, R610C, R611C, R617C, R638C, R661C, R702C, R587C.
Identifiers: ClinVar variation 867076 (VCV000867076.11), dbSNP rs995769455, ClinGen allele CA140885553.